The following is an entry in ClinVar:

ClinVar aggregate classification (germline): Uncertain significance. Review status: criteria provided, multiple submitters, no conflicts (2 of 4 stars). 2 submissions from 2 submitters: Uncertain significance (2). Last evaluated 2024-06-04.

Allele frequency attached by ClinVar (database versions not stated): gnomAD exomes 0.00001; TOPMed 0.00002.

Submissions (2):

Ambry Genetics
Classification: Uncertain significance. Last evaluated: 2024-06-04. Review status: criteria provided, single submitter. Criteria: Ambry Variant Classification Scheme 2023. Collection method: clinical testing. Allele origin: germline.

Labcorp Genetics (formerly Invitae), Labcorp
Classification: Uncertain significance. Last evaluated: 2024-05-22. Review status: criteria provided, single submitter. Criteria: Invitae Variant Classification Sherloc (09022015). Collection method: clinical testing. Allele origin: germline.
Comment: This sequence change replaces serine, which is neutral and polar, with leucine, which is neutral and non-polar, at codon 310 of the DSCAML1 protein (p.Ser310Leu). This variant is present in population databases (rs770109022, gnomAD 0.002%). This variant has not been reported in the literature in individuals affected with DSCAML1-related conditions. ClinVar contains an entry for this variant (Variation ID: 1400885). An algorithm developed to predict the effect of missense changes on protein structure and function (PolyPhen-2) suggests that this variant is likely to be tolerated. In summary, the available evidence is currently insufficient to determine the role of this variant in disease. Therefore, it has been classified as a Variant of Uncertain Significance.

NM_020693.4(DSCAML1):c.749C>T (p.Ser250Leu)

Gene: DSCAML1 (DS cell adhesion molecule like 1; minus strand). Cytogenetic location: 11q23.3.
Variant type: single nucleotide variant.
Coding change: c.749C>T on transcript NM_020693.4 (MANE Select); coding-DNA position 749, C replaced by T.
Protein change: p.Ser250Leu; replaces serine 250 with leucine.
Molecular consequence: missense variant.
Genome position (GRCh38, 1-based): chr11:117,524,993, G>A on the plus strand (C>T on the coding strand, the complement: DSCAML1 is on the minus strand). VCF-style: chr11-117524993-G-A. GRCh37 (hg19) VCF-style: chr11-117395708-G-A.
Other names: c.749C>T, p.Ser250Leu (NM_001367904.1); c.341C>T, p.Ser114Leu (NM_001367905.1); c.929C>T (NM_020693.2); short protein forms S114L, S250L.
Identifiers: ClinVar variation 1400885 (VCV001400885.7), dbSNP rs770109022, ClinGen allele CA6297458.